The following is an entry in ClinVar:

ClinVar aggregate classification (germline): Uncertain significance. Review status: criteria provided, multiple submitters, no conflicts (2 of 4 stars). 2 submissions from 2 submitters: Uncertain significance (2). Last evaluated 2025-09-16.

Conditions:
Hereditary cancer-predisposing syndrome. Also called: Tumor predisposition; Hereditary Cancer Syndrome; Hereditary neoplastic syndrome; Neoplastic Syndromes, Hereditary. Identifiers: Orphanet 140162, MedGen C0027672, MeSH D009386, MONDO:0015356.
Hereditary nonpolyposis colorectal neoplasms. Identifiers: MedGen C0009405, MeSH D003123.

Submissions (2):

Labcorp Genetics (formerly Invitae), Labcorp
Classification: Uncertain significance for Hereditary nonpolyposis colorectal neoplasms. Last evaluated: 2025-09-16. Review status: criteria provided, single submitter. Criteria: Invitae Variant Classification Sherloc (09022015). Collection method: clinical testing. Allele origin: germline.
Comment: This sequence change replaces isoleucine, which is neutral and non-polar, with arginine, which is basic and polar, at codon 1239 of the MSH6 protein (p.Ile1239Arg). This variant is not present in population databases (gnomAD no frequency). This variant has not been reported in the literature in individuals affected with MSH6-related conditions. ClinVar contains an entry for this variant (Variation ID: 485868). Invitae Evidence Modeling of protein sequence and biophysical properties (such as structural, functional, and spatial information, amino acid conservation, physicochemical variation, residue mobility, and thermodynamic stability) indicates that this missense variant is not expected to disrupt MSH6 protein function with a negative predictive value of 95%. In summary, the available evidence is currently insufficient to determine the role of this variant in disease. Therefore, it has been classified as a Variant of Uncertain Significance.

Ambry Genetics
Classification: Uncertain significance for Hereditary cancer-predisposing syndrome. Last evaluated: 2019-12-11. Review status: criteria provided, single submitter. Criteria: Ambry Variant Classification Scheme 2023. Collection method: clinical testing. Allele origin: germline.
Comment: The p.I1239R variant (also known as c.3716T>G), located in coding exon 8 of the MSH6 gene, results from a T to G substitution at nucleotide position 3716. The isoleucine at codon 1239 is replaced by arginine, an amino acid with similar properties. This amino acid position is well conserved in available vertebrate species. In addition, this alteration is predicted to be deleterious by in silico analysis. Since supporting evidence is limited at this time, the clinical significance of this alteration remains unclear.

NM_000179.3(MSH6):c.3716T>G (p.Ile1239Arg)

Gene: MSH6 (mutS homolog 6; plus strand). Cytogenetic location: 2p16.3.
Variant type: single nucleotide variant.
Coding change: c.3716T>G on transcript NM_000179.3 (MANE Select); coding-DNA position 3716, T replaced by G.
Protein change: p.Ile1239Arg; replaces isoleucine 1239 with arginine.
Molecular consequence: missense variant.
Genome position (GRCh38, 1-based): chr2:47,806,273, T>G. VCF-style: chr2-47806273-T-G. GRCh37 (hg19) VCF-style: chr2-48033412-T-G.
Other names: c.3326T>G, p.Ile1109Arg (NM_001281492.2); c.2810T>G, p.Ile937Arg (NM_001281493.2, NM_001281494.2); short protein forms I1239R, I1109R, I937R.
Identifiers: ClinVar variation 485868 (VCV000485868.14), dbSNP rs786203816, ClinGen allele CA346761010.